The following is an entry in ClinVar:

ClinVar aggregate classification (germline): Uncertain significance. Review status: criteria provided, multiple submitters, no conflicts (2 of 4 stars). 2 submissions from 2 submitters: Uncertain significance (2). Last evaluated 2025-07-20.

Conditions:
Hereditary cancer-predisposing syndrome. Also called: Tumor predisposition; Neoplastic Syndromes, Hereditary; Hereditary Cancer Syndrome; Hereditary neoplastic syndrome. Identifiers: Orphanet 140162, MedGen C0027672, MeSH D009386, MONDO:0015356.

Submissions (2):

Color Diagnostics, LLC DBA Color Health
Classification: Uncertain significance for Hereditary cancer-predisposing syndrome. Last evaluated: 2025-07-20. Review status: criteria provided, single submitter. Criteria: ACMG Guidelines, 2015. Collection method: clinical testing. Allele origin: germline.
Comment: This missense variant replaces threonine with arginine at codon 1414 of the BRCA2 protein. Computational prediction suggests that this variant may not impact protein structure and function. To our knowledge, functional studies have not been reported for this variant. This variant has not been reported in individuals affected with BRCA2-related disorders in the literature. This variant has not been identified in the general population by the Genome Aggregation Database (gnomAD). The available evidence is insufficient to determine the role of this variant in disease conclusively. Therefore, this variant is classified as a Variant of Uncertain Significance.

Ambry Genetics
Classification: Uncertain significance for Hereditary cancer-predisposing syndrome. Last evaluated: 2024-11-16. Review status: criteria provided, single submitter. Criteria: Ambry Variant Classification Scheme 2023. Collection method: clinical testing. Allele origin: germline.
Comment: The p.T1414R variant (also known as c.4241C>G), located in coding exon 10 of the BRCA2 gene, results from a C to G substitution at nucleotide position 4241. The threonine at codon 1414 is replaced by arginine, an amino acid with similar properties. This amino acid position is conserved. In addition, this alteration is predicted to be tolerated by in silico analysis. Based on the available evidence, the clinical significance of this variant remains unclear.

NM_000059.4(BRCA2):c.4241C>G (p.Thr1414Arg)

Gene: BRCA2 (BRCA2 DNA repair associated; plus strand). Cytogenetic location: 13q13.1.
Variant type: single nucleotide variant.
Coding change: c.4241C>G on transcript NM_000059.4 (MANE Select); coding-DNA position 4241, C replaced by G.
Protein change: p.Thr1414Arg; replaces threonine 1414 with arginine.
Molecular consequence: missense variant. On other transcripts: non-coding transcript variant (1), intron variant (2).
Genome position (GRCh38, 1-based): chr13:32,338,596, C>G. VCF-style: chr13-32338596-C-G. GRCh37 (hg19) VCF-style: chr13-32912733-C-G.
Other names: c.4241C>G, p.Thr1414Arg (NM_001406719.1, NM_001406720.1, NM_001432077.1); c.1909+5209C>G (NM_001406721.1); c.425-5962C>G (NM_001406722.1); short protein forms T1414R.
Identifiers: ClinVar variation 3482190 (VCV003482190.2).